The following is an entry in ClinVar:

ClinVar aggregate classification (germline): Conflicting classifications of pathogenicity. Review status: criteria provided, conflicting classifications (1 of 4 stars). 4 submissions from 4 submitters: Uncertain significance (3); Benign (1). Last evaluated 2024-10-25.

Conditions:
Inborn genetic diseases. Identifiers: MedGen C0950123, MeSH D030342.
Autosomal recessive nonsyndromic hearing loss 3. Also called: NEUROSENSORY NONSYNDROMIC RECESSIVE DEAFNESS 3. Identifiers: Orphanet 90636, MedGen C1838263, MONDO:0010860, OMIM 600316.

Allele frequency attached by ClinVar (database versions not stated): gnomAD 0.00036 and 0.00034; ESP Exome Variant Server 0.00041; gnomAD exomes 0.00004 and 0.00008; ExAC 0.00012; TOPMed 0.00032.
gnomAD v4.1: 114 of 1,613,902 alleles (0.0071%); highest among the groups gnomAD compares: African/African-American, 0.12%; 1 homozygote.

Submissions (4):

Labcorp Genetics (formerly Invitae), Labcorp
Classification: Benign. Last evaluated: 2024-10-25. Review status: criteria provided, single submitter. Criteria: Invitae Variant Classification Sherloc (09022015). Collection method: clinical testing. Allele origin: germline.

Ambry Genetics
Classification: Uncertain significance for Inborn genetic diseases. Last evaluated: 2024-10-01. Review status: criteria provided, single submitter. Criteria: Ambry Variant Classification Scheme 2023. Collection method: clinical testing. Allele origin: germline.

Blueprint Genetics
Classification: Uncertain significance. Last evaluated: 2021-07-27. Review status: criteria provided, single submitter. Criteria: ACMG Guidelines, 2015. Collection method: clinical testing. Allele origin: germline.

Baylor Genetics
Classification: Uncertain significance for Autosomal recessive nonsyndromic hearing loss 3. Last evaluated: 2018-05-10. Review status: criteria provided, single submitter. Criteria: ACMG Guidelines, 2015. Collection method: clinical testing. Allele origin: unknown. Affected: yes.
Comment: This variant was determined to be of uncertain significance according to ACMG Guidelines, 2015 [PMID:25741868].

NM_016239.4(MYO15A):c.4153T>G (p.Ser1385Ala)

Gene: MYO15A (myosin XVA; plus strand). Cytogenetic location: 17p11.2.
Variant type: single nucleotide variant.
Coding change: c.4153T>G on transcript NM_016239.4 (MANE Select); coding-DNA position 4153, T replaced by G.
Protein change: p.Ser1385Ala; replaces serine 1385 with alanine.
Molecular consequence: missense variant.
Genome position (GRCh38, 1-based): chr17:18,131,478, T>G. VCF-style: chr17-18131478-T-G. GRCh37 (hg19) VCF-style: chr17-18034792-T-G.
Other names: short protein forms S1385A.
Identifiers: ClinVar variation 1031958 (VCV001031958.6), dbSNP rs201246214, ClinGen allele CA8423788.
Genomic context (GRCh38, chr17:18,131,478, plus strand): 5'-ACACCAGCCCTCCTACCCTCACTGAGAGCTGACTGTGCTCCCCACCCCAGGGGCGTGATC[T>G]CTGGTGCCATAACCTCCCAGTACCTGCTTGAGAAATCCAGGATCGTGTTTCAGGTGGGCC-3'
Protein context (NP_057323.3, residues 1375-1395): VEIFLEGGVI[Ser1385Ala]GAITSQYLLE